The following is an entry in ClinVar:

NM_004304.5(ALK):c.4784C>T (p.Ala1595Val)

Gene: ALK (ALK receptor tyrosine kinase; minus strand). Cytogenetic location: 2p23.2.
Variant type: single nucleotide variant.
Coding change: c.4784C>T on transcript NM_004304.5 (MANE Select); coding-DNA position 4784, C replaced by T.
Protein change: p.Ala1595Val; replaces alanine 1595 with valine.
Molecular consequence: missense variant.
Genome position (GRCh38, 1-based): chr2:29,193,303, G>A on the plus strand (C>T on the coding strand, the complement: ALK is on the minus strand). VCF-style: chr2-29193303-G-A. GRCh37 (hg19) VCF-style: chr2-29416169-G-A.
Other names: c.1580C>T, p.Ala527Val (NM_001353765.2); short protein forms A1595V, A527V.
Identifiers: ClinVar variation 1720003 (VCV001720003.5), dbSNP rs2148137128, ClinGen allele CA346460235.
Genomic context (GRCh38, chr2:29,193,303, plus strand): 5'-ATGCTATTCTTGCTTTTCAGAATGGTATCCTCGTAATGACCAGCTCCAGGGGCAGTAGCG[G>A]CTTCTAAGGGCAAGCCCTGTTGCTGGTAGCCGTAATTGACATTCCCACAAGGGAAGTGAC-3'
Protein context (NP_004295.2, residues 1585-1605): GYQQQGLPLE[Ala1595Val]ATAPGAGHYE

ClinVar aggregate classification (germline): Uncertain significance (1 of 4 stars; one submission).

Conditions:
Neuroblastoma, susceptibility to, 3. Also called: ALK-Related Neuroblastic Tumor Susceptibility. Identifiers: Orphanet 635, MedGen C2751681, MONDO:0013083, OMIM 613014.

Submission:

Labcorp Genetics (formerly Invitae), Labcorp
Classification: Uncertain significance for Neuroblastoma, susceptibility to, 3. Last evaluated: 2025-04-28. Review status: criteria provided, single submitter. Criteria: Invitae Variant Classification Sherloc (09022015). Collection method: clinical testing. Allele origin: germline.
Comment: This sequence change replaces alanine, which is neutral and non-polar, with valine, which is neutral and non-polar, at codon 1595 of the ALK protein (p.Ala1595Val). This variant is not present in population databases (gnomAD no frequency). This variant has not been reported in the literature in individuals affected with ALK-related conditions. ClinVar contains an entry for this variant (Variation ID: 1720003). An algorithm developed to predict the effect of missense changes on protein structure and function (PolyPhen-2) suggests that this variant is likely to be tolerated. In summary, the available evidence is currently insufficient to determine the role of this variant in disease. Therefore, it has been classified as a Variant of Uncertain Significance.